The following is an entry in ClinVar:

NM_005506.4(SCARB2):c.1255A>G (p.Lys419Glu)

Gene: SCARB2 (scavenger receptor class B member 2; minus strand). Cytogenetic location: 4q21.1.
Variant type: single nucleotide variant.
Coding change: c.1255A>G on transcript NM_005506.4 (MANE Select); coding-DNA position 1255, A replaced by G.
Protein change: p.Lys419Glu; replaces lysine 419 with glutamic acid.
Molecular consequence: missense variant.
Genome position (GRCh38, 1-based): chr4:76,163,368, T>C on the plus strand (A>G on the coding strand, the complement: SCARB2 is on the minus strand). VCF-style: chr4-76163368-T-C. GRCh37 (hg19) VCF-style: chr4-77084521-T-C.
Other names: c.826A>G, p.Lys276Glu (NM_001204255.2); short protein forms K419E, K276E.
Identifiers: ClinVar variation 588713 (VCV000588713.5), dbSNP rs780326859, ClinGen allele CA99885296.

ClinVar aggregate classification (germline): Uncertain significance (1 of 4 stars; one submission).

Conditions:
Inborn genetic diseases. Identifiers: MedGen C0950123, MeSH D030342.

Allele frequency attached by ClinVar (database versions not stated): gnomAD exomes 0.00001.
gnomAD v4.1: 6 of 1,614,212 alleles (0.00037%); highest among the groups gnomAD compares: Non-Finnish European, 0.00051%; no homozygotes.

Submission:

Ambry Genetics
Classification: Uncertain significance for Inborn genetic diseases. Last evaluated: 2017-01-21. Review status: criteria provided, single submitter. Criteria: Ambry Variant Classification Scheme 2023. Collection method: clinical testing. Allele origin: germline.
Comment: The p.K419E variant (also known as c.1255A>G), located in coding exon 11 of the SCARB2 gene, results from an A to G substitution at nucleotide position 1255. The lysine at codon 419 is replaced by glutamic acid, an amino acid with similar properties. This amino acid position is not well conserved in available vertebrate species. In addition, this alteration is predicted to be tolerated by in silico analysis. Since supporting evidence is limited at this time, the clinical significance of this alteration remains unclear.